The following is an entry in ClinVar:

ClinVar aggregate classification (germline): Likely pathogenic (1 of 4 stars; one submission).

Conditions:
Hereditary cancer-predisposing syndrome. Also called: Hereditary Cancer Syndrome; Hereditary neoplastic syndrome; Neoplastic Syndromes, Hereditary; Tumor predisposition. Identifiers: Orphanet 140162, MedGen C0027672, MeSH D009386, MONDO:0015356.

Submission:

Ambry Genetics
Classification: Likely pathogenic for Hereditary cancer-predisposing syndrome. Last evaluated: 2024-12-11. Review status: criteria provided, single submitter. Criteria: Ambry Variant Classification Scheme 2023. Collection method: clinical testing. Allele origin: germline.
Comment: The p.H141Y variant (also known as c.421C>T), located in coding exon 6 of the BAP1 gene, results from a C to T substitution at nucleotide position 421. The histidine at codon 141 is replaced by tyrosine, an amino acid with similar properties. This variant has been observed in at least one individual with a personal and/or family history that is consistent with BAP1-associated disease (Ambry internal data). This alteration was non-functional in a high throughput genome editing haploid cell survival assay (Waters AJ et al. Nat Genet, 2024 Jul;56:1434-1445). This amino acid position is highly conserved in available vertebrate species. In addition, this alteration is predicted to be deleterious by in silico analysis. This variant is considered to be rare based on population cohorts in the Genome Aggregation Database (gnomAD). Based on the majority of available evidence to date, this variant is likely to be pathogenic.

Literature cited by the submitters: PubMed 38969833.

NM_004656.4(BAP1):c.421C>T (p.His141Tyr)

Gene: BAP1 (BRCA1 associated deubiquitinase 1; minus strand). Cytogenetic location: 3p21.1.
Variant type: single nucleotide variant.
Coding change: c.421C>T on transcript NM_004656.4 (MANE Select); coding-DNA position 421, C replaced by T.
Protein change: p.His141Tyr; replaces histidine 141 with tyrosine.
Molecular consequence: missense variant.
Genome position (GRCh38, 1-based): chr3:52,407,415, G>A on the plus strand (C>T on the coding strand, the complement: BAP1 is on the minus strand). VCF-style: chr3-52407415-G-A. GRCh37 (hg19) VCF-style: chr3-52441431-G-A.
Other names: c.421C>T, p.His141Tyr (NM_001410772.1); short protein forms H141Y.
Identifiers: ClinVar variation 1738816 (VCV001738816.3), dbSNP rs2471351500, ClinGen allele CA353110777.